The following is an entry in ClinVar:

ClinVar aggregate classification (germline): Uncertain significance (1 of 4 stars; one submission).

gnomAD v4.1: 12 of 1,612,766 alleles (0.00074%); highest among the groups gnomAD compares: East Asian, 0.0067%; no homozygotes.

Submission:

Women's Health and Genetics/Laboratory Corporation of America, LabCorp
Classification: Uncertain significance. Last evaluated: 2025-11-03. Review status: criteria provided, single submitter. Criteria: LabCorp Variant Classification Summary - May 2015. Collection method: clinical testing. Allele origin: germline.
Comment: Variant summary: GLI1 c.1575C>G (p.Thr525Thr) alters a conserved nucleotide located close to a canonical splice site and therefore could affect mRNA splicing, leading to a significantly altered protein sequence. Consensus agreement among computation tools predict no significant impact on normal splicing. However, these predictions have yet to be confirmed by functional studies. The variant allele was found at a frequency of 1.2e-05 in 249186 control chromosomes. The available data on variant occurrences in the general population are insufficient to allow any conclusion about variant significance. To our knowledge, no occurrence of c.1575C>G in individuals affected with GLI1-related conditions and no experimental evidence demonstrating its impact on protein function have been reported. No submitters have cited clinical-significance assessments for this variant to ClinVar. Based on the evidence outlined above, the variant was classified as uncertain significance.

NM_005269.3(GLI1):c.1575C>G (p.Thr525=)

Gene: GLI1 (GLI family zinc finger 1; plus strand). Cytogenetic location: 12q13.3.
Variant type: single nucleotide variant.
Coding change: c.1575C>G on transcript NM_005269.3 (MANE Select); coding-DNA position 1575, C replaced by G.
Protein change: p.Thr525=; no amino-acid change (threonine 525 retained).
Molecular consequence: synonymous variant.
Genome position (GRCh38, 1-based): chr12:57,469,697, C>G. VCF-style: chr12-57469697-C-G. GRCh37 (hg19) VCF-style: chr12-57863480-C-G.
Other names: c.1191C>G, p.Thr397= (NM_001160045.2); c.1452C>G, p.Thr484= (NM_001167609.2).
Identifiers: ClinVar variation 4537114 (VCV004537114.1).
Genomic context (GRCh38, chr12:57,469,697, plus strand): 5'-GCTACATCAACTCCGGCCAATAGGGACCCGGGGTCTCAAACTGCCCAGCTTGTCCCACAC[C>G]GGTGAGACCTGGGTGTGGGAGGTGTGGCTGGGGTGAGATCTGGACCTGCCCTGAGGTTGA-3'
Protein context (NP_005260.1, residues 515-535): RGLKLPSLSH[Thr525=]GTTVSRRVGP